The following is an entry in ClinVar:

ClinVar aggregate classification (germline): Uncertain significance. Review status: criteria provided, multiple submitters, no conflicts (2 of 4 stars). 3 submissions from 3 submitters: Uncertain significance (3). Last evaluated 2026-04-21.

Conditions:
MEGF10-related myopathy (CMYO10A). Also called: Congenital myopathy 10A, severe variant. Identifiers: Orphanet 439212, MedGen C3280679, MONDO:0013731, OMIM 614399.
Inborn genetic diseases. Identifiers: MedGen C0950123, MeSH D030342.

Allele frequency attached by ClinVar (database versions not stated): gnomAD exomes 0.00004 and 0.00028; gnomAD 0.00004; ExAC 0.00005; TOPMed 0.00002; ESP Exome Variant Server 0.00008.
gnomAD v4.1: 402 of 1,613,792 alleles (0.025%); highest among the groups gnomAD compares: Non-Finnish European, 0.033%; no homozygotes.

Submissions (3):

GeneDx
Classification: Uncertain significance. Last evaluated: 2026-04-21. Review status: criteria provided, single submitter. Criteria: GeneDx Variant Classification Process June 2021. Collection method: clinical testing. Allele origin: germline.
Comment: Not observed at significant frequency in large population cohorts (gnomAD); In silico analysis suggests that this missense variant does not alter protein structure/function; Has not been previously published as pathogenic or benign to our knowledge

Ambry Genetics
Classification: Uncertain significance for Inborn genetic diseases. Last evaluated: 2023-11-14. Review status: criteria provided, single submitter. Criteria: Ambry Variant Classification Scheme 2023. Collection method: clinical testing. Allele origin: germline.

Labcorp Genetics (formerly Invitae), Labcorp
Classification: Uncertain significance for MEGF10-related myopathy. Last evaluated: 2021-08-27. Review status: criteria provided, single submitter. Criteria: Invitae Variant Classification Sherloc (09022015). Collection method: clinical testing. Allele origin: germline.
Comment: This sequence change replaces glutamic acid with aspartic acid at codon 348 of the MEGF10 protein (p.Glu348Asp). The glutamic acid residue is highly conserved and there is a small physicochemical difference between glutamic acid and aspartic acid. This variant is present in population databases (rs370219469, ExAC 0.009%). This variant has not been reported in the literature in individuals affected with MEGF10-related conditions. ClinVar contains an entry for this variant (Variation ID: 472732). Algorithms developed to predict the effect of missense changes on protein structure and function output the following: SIFT: "Tolerated"; PolyPhen-2: "Benign"; Align-GVGD: "Class C0". The aspartic acid amino acid residue is found in multiple mammalian species, which suggests that this missense change does not adversely affect protein function. In summary, the available evidence is currently insufficient to determine the role of this variant in disease. Therefore, it has been classified as a Variant of Uncertain Significance.

NM_001256545.2(MEGF10):c.1044G>T (p.Glu348Asp)

Gene: MEGF10 (multiple EGF like domains 10; plus strand). Cytogenetic location: 5q23.2.
Variant type: single nucleotide variant.
Coding change: c.1044G>T on transcript NM_001256545.2 (MANE Select); coding-DNA position 1044, G replaced by T.
Protein change: p.Glu348Asp; replaces glutamic acid 348 with aspartic acid.
Molecular consequence: missense variant.
Genome position (GRCh38, 1-based): chr5:127,410,515, G>T. VCF-style: chr5-127410515-G-T. GRCh37 (hg19) VCF-style: chr5-126746207-G-T.
Other names: c.1044G>T, p.Glu348Asp (NM_001308119.2, NM_001308121.2, NM_032446.3); short protein forms E348D.
Identifiers: ClinVar variation 472732 (VCV000472732.9), dbSNP rs370219469, ClinGen allele CA3391465.